The following is an entry in ClinVar:

NM_182961.4(SYNE1):c.11702G>C (p.Ser3901Thr)

Gene: SYNE1 (spectrin repeat containing nuclear envelope protein 1; minus strand). Cytogenetic location: 6q25.2.
Variant type: single nucleotide variant.
Coding change: c.11702G>C on transcript NM_182961.4 (MANE Select); coding-DNA position 11702, G replaced by C.
Protein change: p.Ser3901Thr; replaces serine 3901 with threonine.
Molecular consequence: missense variant.
Genome position (GRCh38, 1-based): chr6:152,350,649, C>G on the plus strand (G>C on the coding strand, the complement: SYNE1 is on the minus strand). VCF-style: chr6-152350649-C-G. GRCh37 (hg19) VCF-style: chr6-152671784-C-G.
Other names: c.11657G>C (NM_033071.3); c.11657G>C, p.Ser3886Thr (NM_033071.5); short protein forms S3886T, S3901T.
Identifiers: ClinVar variation 448547 (VCV000448547.12), dbSNP rs376327805, ClinGen allele CA4056621.

ClinVar aggregate classification (germline): Conflicting classifications of pathogenicity. Review status: criteria provided, conflicting classifications (1 of 4 stars). 4 submissions from 4 submitters: Uncertain significance (3); Likely benign (1). Last evaluated 2024-01-22.

Allele frequency attached by ClinVar (database versions not stated): gnomAD exomes 0.00004 and 0.00002; gnomAD 0.00005 and 0.00003; TOPMed 0.00005; ExAC 0.00002; ESP Exome Variant Server 0.00008.
gnomAD v4.1: 63 of 1,613,994 alleles (0.0039%); highest among the groups gnomAD compares: Non-Finnish European, 0.0053%; no homozygotes.

Submissions (4):

Revvity Omics, Revvity
Classification: Uncertain significance. Last evaluated: 2024-01-22. Review status: criteria provided, single submitter. Criteria: ACMG Guidelines, 2015. Collection method: clinical testing. Allele origin: germline.

Institute for Genomic Medicine (IGM) Clinical Laboratory, Nationwide Children's Hospital
Classification: Likely benign. Last evaluated: 2017-11-16. Review status: criteria provided, single submitter. Criteria: ACMG Guidelines, 2015. Collection method: clinical testing. Allele origin: germline.
Comment: BS1, BP1, BP4; This alteration has an allele frequency that is greater than expected for the associated disease, is a missense alteration in a gene for which primarily truncating variants are known to cause disease, and is predicted to be tolerated by multiple functional prediction tools.

Athena Diagnostics
Classification: Uncertain significance. Last evaluated: 2017-03-24. Review status: criteria provided, single submitter. Criteria: Athena Diagnostics Criteria. Collection method: clinical testing. Allele origin: germline.

Eurofins Ntd Llc (ga)
Classification: Uncertain significance. Last evaluated: 2017-02-09. Review status: criteria provided, single submitter. Criteria: EGL Classification Definitions 2015. Collection method: clinical testing. Allele origin: germline. Observed: 2 variant alleles, 2 heterozygotes.